The following is an entry in ClinVar:

ClinVar aggregate classification (germline): Uncertain significance. Review status: criteria provided, multiple submitters, no conflicts (2 of 4 stars). 2 submissions from 2 submitters: Uncertain significance (2). Last evaluated 2020-10-05.

Allele frequency attached by ClinVar (database versions not stated): ExAC 0.00001; gnomAD exomes 0.00001; TOPMed 0.00001.
gnomAD v4.1: 6 of 1,614,114 alleles (0.00037%); highest among the groups gnomAD compares: Non-Finnish European, 0.00051%; no homozygotes.

Submissions (2):

Blueprint Genetics
Classification: Uncertain significance. Last evaluated: 2020-10-05. Review status: criteria provided, single submitter. Criteria: ACMG Guidelines, 2015. Collection method: clinical testing. Allele origin: germline.

Labcorp Genetics (formerly Invitae), Labcorp
Classification: Uncertain significance. Last evaluated: 2019-08-06. Review status: criteria provided, single submitter. Criteria: Invitae Variant Classification Sherloc (09022015). Collection method: clinical testing. Allele origin: germline.
Comment: This variant is present in population databases (rs757686844, ExAC 0.001%). In summary, the available evidence is currently insufficient to determine the role of this variant in disease. Therefore, it has been classified as a Variant of Uncertain Significance. Algorithms developed to predict the effect of missense changes on protein structure and function are either unavailable or do not agree on the potential impact of this missense change (SIFT: "Deleterious"; PolyPhen-2: "Probably Damaging"; Align-GVGD: "Class C0"). This variant has not been reported in the literature in individuals with PCARE-related conditions. This sequence change replaces glutamine with histidine at codon 279 of the PCARE protein (p.Gln279His). The glutamine residue is highly conserved and there is a small physicochemical difference between glutamine and histidine.

NM_001029883.3(PCARE):c.837G>C (p.Gln279His)

Gene: PCARE (photoreceptor cilium actin regulator; minus strand). Cytogenetic location: 2p23.2.
Variant type: single nucleotide variant.
Coding change: c.837G>C on transcript NM_001029883.3 (MANE Select); coding-DNA position 837, G replaced by C.
Protein change: p.Gln279His; replaces glutamine 279 with histidine.
Molecular consequence: missense variant.
Genome position (GRCh38, 1-based): chr2:29,073,425, C>G on the plus strand (G>C on the coding strand, the complement: PCARE is on the minus strand). VCF-style: chr2-29073425-C-G. GRCh37 (hg19) VCF-style: chr2-29296291-C-G.
Other names: short protein forms Q279H.
Identifiers: ClinVar variation 961392 (VCV000961392.10), dbSNP rs757686844, ClinGen allele CA1592556.